The following is an entry in ClinVar:

ClinVar aggregate classification (germline): Uncertain significance. Review status: criteria provided, multiple submitters, no conflicts (2 of 4 stars). 2 submissions from 2 submitters: Uncertain significance (2). Last evaluated 2024-08-08.

Conditions:
Spastic paraplegia. Identifiers: MedGen C0037772, HP:0001258.
Amyotrophic lateral sclerosis, susceptibility to, 25. Identifiers: MedGen C4693609, MONDO:0060670, OMIM 617921.
Myoclonus, intractable, neonatal (NEIMY). Identifiers: MedGen C4310658, MONDO:0014979, OMIM 617235.
Hereditary spastic paraplegia 10 (SPG10). Also called: SPASTIC PARAPLEGIA 10, AUTOSOMAL DOMINANT; SPASTIC PARAPLEGIA 10 WITH OR WITHOUT PERIPHERAL NEUROPATHY; SPASTIC PARAPLEGIA 10 WITH PERIPHERAL NEUROPATHY. Identifiers: Orphanet 100991, MedGen C1858712, MONDO:0011408, OMIM 604187.

Allele frequency attached by ClinVar (database versions not stated): gnomAD exomes below 0.00001 and 0.00001; TOPMed below 0.00001; gnomAD 0.00001.
gnomAD v4.1: 3 of 1,577,882 alleles (0.00019%); highest among the groups gnomAD compares: Non-Finnish European, 0.00026%; no homozygotes.

Submissions (2):

Labcorp Genetics (formerly Invitae), Labcorp
Classification: Uncertain significance for Spastic paraplegia. Last evaluated: 2024-08-08. Review status: criteria provided, single submitter. Criteria: Invitae Variant Classification Sherloc (09022015). Collection method: clinical testing. Allele origin: germline.
Comment: This sequence change falls in intron 14 of the KIF5A gene. It does not directly change the encoded amino acid sequence of the KIF5A protein. It affects a nucleotide within the consensus splice site. This variant is present in population databases (no rsID available, gnomAD 0.001%). This variant has not been reported in the literature in individuals affected with KIF5A-related conditions. ClinVar contains an entry for this variant (Variation ID: 640046). Variants that disrupt the consensus splice site are a relatively common cause of aberrant splicing (PMID: 17576681, 9536098). Algorithms developed to predict the effect of sequence changes on RNA splicing suggest that this variant may create or strengthen a splice site. In summary, the available evidence is currently insufficient to determine the role of this variant in disease. Therefore, it has been classified as a Variant of Uncertain Significance.

Fulgent Genetics
Classification: Uncertain significance for Hereditary spastic paraplegia 10; Myoclonus, intractable, neonatal; Amyotrophic lateral sclerosis, susceptibility to, 25. Last evaluated: 2022-05-10. Review status: criteria provided, single submitter. Criteria: ACMG Guidelines, 2015. Collection method: clinical testing. Allele origin: unknown.

Literature cited by the submitters: PubMed 17576681 (cited by Labcorp Genetics (formerly Invitae), Labcorp); PubMed 9536098 (cited by Labcorp Genetics (formerly Invitae), Labcorp).

NM_004984.4(KIF5A):c.1569+6T>C

Gene: KIF5A (kinesin family member 5A; plus strand). Cytogenetic location: 12q13.3.
Variant type: single nucleotide variant.
Coding change: c.1569+6T>C on transcript NM_004984.4 (MANE Select); 6 bases into the intron after coding-DNA position 1569, T replaced by C.
Molecular consequence: intron variant.
Genome position (GRCh38, 1-based): chr12:57,572,273, T>C. VCF-style: chr12-57572273-T-C. GRCh37 (hg19) VCF-style: chr12-57966056-T-C.
Other names: c.1302+6T>C (NM_001354705.2).
Identifiers: ClinVar variation 640046 (VCV000640046.8), dbSNP rs1191410072, ClinGen allele CA605705782.